The following is an entry in ClinVar:

NM_016252.4(BIRC6):c.9152A>T (p.His3051Leu)

Gene: BIRC6 (baculoviral IAP repeat containing 6; plus strand). Cytogenetic location: 2p22.3.
Variant type: single nucleotide variant.
Coding change: c.9152A>T on transcript NM_016252.4 (MANE Select); coding-DNA position 9152, A replaced by T.
Protein change: p.His3051Leu; replaces histidine 3051 with leucine.
Molecular consequence: missense variant.
Genome position (GRCh38, 1-based): chr2:32,501,833, A>T. VCF-style: chr2-32501833-A-T. GRCh37 (hg19) VCF-style: chr2-32726900-A-T.
Other names: c.9149A>T, p.His3050Leu (NM_001378125.1); short protein forms H3050L, H3051L.
Identifiers: ClinVar variation 3356830 (VCV003356830.1).

ClinVar aggregate classification (germline): Uncertain significance (0 of 4 stars; one submission).

Conditions:
BIRC6-related disorder. Also called: BIRC6-related condition.

gnomAD v4.1: 1 of 1,613,870 alleles (0.000062%); no homozygotes.

Submission:

PreventionGenetics, part of Exact Sciences
Classification: Uncertain significance for BIRC6-related condition. Last evaluated: 2024-09-20. Review status: no assertion criteria provided. Collection method: clinical testing. Allele origin: germline.
Comment: The BIRC6 c.9152A>T variant is predicted to result in the amino acid substitution p.His3051Leu. To our knowledge, this variant has not been reported in the literature. This variant was absent in gnomAD v2 (as displayed in the table above). However, in gnomAD v4 (available only on GRCh38), this variant is reported in 0.0016% of alleles in a subpopulation. At this time, the clinical significance of this variant is uncertain due to the absence of conclusive functional and genetic evidence.